The following is an entry in ClinVar:

NM_024642.5(GALNT12):c.635G>A (p.Arg212Gln)

Gene: GALNT12 (polypeptide N-acetylgalactosaminyltransferase 12; plus strand). Cytogenetic location: 9q22.33.
Variant type: single nucleotide variant.
Coding change: c.635G>A on transcript NM_024642.5 (MANE Select); coding-DNA position 635, G replaced by A.
Protein change: p.Arg212Gln; replaces arginine 212 with glutamine.
Molecular consequence: missense variant.
Genome position (GRCh38, 1-based): chr9:98,826,845, G>A. VCF-style: chr9-98826845-G-A. GRCh37 (hg19) VCF-style: chr9-101589127-G-A.
Other names: short protein forms R212Q.
Identifiers: ClinVar variation 946523 (VCV000946523.13), dbSNP rs777425926, ClinGen allele CA5154013.

ClinVar aggregate classification (germline): Uncertain significance. Review status: criteria provided, multiple submitters, no conflicts (2 of 4 stars). 2 submissions from 2 submitters: Uncertain significance (2). Last evaluated 2024-04-22.

Allele frequency attached by ClinVar (database versions not stated): TOPMed 0.00002; gnomAD 0.00003.

Submissions (2):

Ambry Genetics
Classification: Uncertain significance. Last evaluated: 2024-04-22. Review status: criteria provided, single submitter. Criteria: Ambry Variant Classification Scheme 2023. Collection method: clinical testing. Allele origin: germline.
Comment: The p.R212Q variant (also known as c.635G>A), located in coding exon 3 of the GALNT12 gene, results from a G to A substitution at nucleotide position 635. The arginine at codon 212 is replaced by glutamine, an amino acid with highly similar properties. This amino acid position is highly conserved in available vertebrate species. In addition, this alteration is predicted to be deleterious by in silico analysis. The evidence for this gene-disease relationship is limited; therefore, the clinical significance of this alteration is unclear.

Labcorp Genetics (formerly Invitae), Labcorp
Classification: Uncertain significance. Last evaluated: 2022-10-18. Review status: criteria provided, single submitter. Criteria: Invitae Variant Classification Sherloc (09022015). Collection method: clinical testing. Allele origin: germline.
Comment: This sequence change replaces arginine, which is basic and polar, with glutamine, which is neutral and polar, at codon 212 of the GALNT12 protein (p.Arg212Gln). The frequency data for this variant in the population databases is considered unreliable, as metrics indicate poor data quality at this position in the gnomAD database. This variant has not been reported in the literature in individuals affected with GALNT12-related conditions. ClinVar contains an entry for this variant (Variation ID: 946523). Advanced modeling of protein sequence and biophysical properties (such as structural, functional, and spatial information, amino acid conservation, physicochemical variation, residue mobility, and thermodynamic stability) performed at Invitae indicates that this missense variant is expected to disrupt GALNT12 protein function. In summary, the available evidence is currently insufficient to determine the role of this variant in disease. Therefore, it has been classified as a Variant of Uncertain Significance.